The following is an entry in ClinVar:

ClinVar aggregate classification (germline): Uncertain significance. Review status: criteria provided, multiple submitters, no conflicts (2 of 4 stars). 2 submissions from 2 submitters: Uncertain significance (2). Last evaluated 2022-08-30.

Conditions:
Peroxisome biogenesis disorder 7A (Zellweger). Also called: Peroxisome biogenesis disorder 7A. Identifiers: Orphanet 912, MedGen C3888385, MONDO:0013938, OMIM 614872.
Peroxisome biogenesis disorder 7B (PBD7B). Identifiers: Orphanet 44, MedGen C3553951, MONDO:0013939, OMIM 614873.

Allele frequency attached by ClinVar (database versions not stated): gnomAD exomes below 0.00001.
gnomAD v4.1: 3 of 1,570,142 alleles (0.00019%); highest among the groups gnomAD compares: Non-Finnish European, 0.00017%; no homozygotes.

Submissions (2):

Blueprint Genetics
Classification: Uncertain significance. Last evaluated: 2022-08-30. Review status: criteria provided, single submitter. Criteria: ACMG Guidelines, 2015. Collection method: clinical testing. Allele origin: germline.

Labcorp Genetics (formerly Invitae), Labcorp
Classification: Uncertain significance for Peroxisome biogenesis disorder 7A (Zellweger); Peroxisome biogenesis disorder 7B. Last evaluated: 2022-02-23. Review status: criteria provided, single submitter. Criteria: Invitae Variant Classification Sherloc (09022015). Collection method: clinical testing. Allele origin: germline.
Comment: This sequence change replaces alanine, which is neutral and non-polar, with valine, which is neutral and non-polar, at codon 41 of the PEX26 protein (p.Ala41Val). This variant is not present in population databases (gnomAD no frequency). This variant has not been reported in the literature in individuals affected with PEX26-related conditions. Algorithms developed to predict the effect of missense changes on protein structure and function (SIFT, PolyPhen-2, Align-GVGD) all suggest that this variant is likely to be disruptive. Algorithms developed to predict the effect of sequence changes on RNA splicing suggest that this variant may create or strengthen a splice site. In summary, the available evidence is currently insufficient to determine the role of this variant in disease. Therefore, it has been classified as a Variant of Uncertain Significance.

NM_001127649.3(PEX26):c.122C>T (p.Ala41Val)

Gene: PEX26 (peroxisomal biogenesis factor 26; plus strand). Cytogenetic location: 22q11.21.
Variant type: single nucleotide variant.
Coding change: c.122C>T on transcript NM_001127649.3 (MANE Select); coding-DNA position 122, C replaced by T.
Protein change: p.Ala41Val; replaces alanine 41 with valine.
Molecular consequence: missense variant.
Genome position (GRCh38, 1-based): chr22:18,078,498, C>T. VCF-style: chr22-18078498-C-T. GRCh37 (hg19) VCF-style: chr22-18561264-C-T.
Other names: c.122C>T, p.Ala41Val (NM_001199319.2, NM_017929.6); short protein forms A41V.
Identifiers: ClinVar variation 1511018 (VCV001511018.4), dbSNP rs1926398102, ClinGen allele CA410264701.